The following is an entry in ClinVar:

NM_199420.4(POLQ):c.2194G>A (p.Val732Ile)

Gene: POLQ (DNA polymerase theta; minus strand). Cytogenetic location: 3q13.33.
Variant type: single nucleotide variant.
Coding change: c.2194G>A on transcript NM_199420.4 (MANE Select); coding-DNA position 2194, G replaced by A.
Protein change: p.Val732Ile; replaces valine 732 with isoleucine.
Molecular consequence: missense variant.
Genome position (GRCh38, 1-based): chr3:121,496,892, C>T on the plus strand (G>A on the coding strand, the complement: POLQ is on the minus strand). VCF-style: chr3-121496892-C-T. GRCh37 (hg19) VCF-style: chr3-121215739-C-T.
Other names: short protein forms V732I.
Identifiers: ClinVar variation 3422388 (VCV003422388.1).
Genomic context (GRCh38, chr3:121,496,892, plus strand): 5'-GCAAAGATTGAATCTGCCCACGATTGCATCCATATTTCTGATTTATTTCCCTTAAGGGAA[C>T]TTCACTGATTAAATCTAATAGCACAAGACTGGTGAAAAACCTGGGAATAAATCATCAAAA-3'
Protein context (NP_955452.3, residues 722-742): SLVLLDLISE[Val732Ile]PLREINQKYG

ClinVar aggregate classification (germline): Uncertain significance (1 of 4 stars; one submission).

Submission:

Ambry Genetics
Classification: Uncertain significance. Last evaluated: 2024-10-31. Review status: criteria provided, single submitter. Criteria: Ambry Variant Classification Scheme 2023. Collection method: clinical testing. Allele origin: germline.
Comment: The p.V732I variant (also known as c.2194G>A), located in coding exon 14 of the POLQ gene, results from a G to A substitution at nucleotide position 2194. The valine at codon 732 is replaced by isoleucine, an amino acid with highly similar properties. This amino acid position is conserved. In addition, this alteration is predicted to be tolerated by in silico analysis. Based on the available evidence, the clinical significance of this variant remains unclear.